The following is an entry in ClinVar:

NM_001042492.3(NF1):c.6555dup (p.Ser2186fs)

Gene: NF1 (neurofibromin 1; plus strand). Cytogenetic location: 17q11.2.
Variant type: Duplication.
Coding change: c.6555dup on transcript NM_001042492.3 (MANE Select); coding-DNA position 6555, one base duplicated (G; older notation c.6555dupG).
Protein change: p.Ser2186fs; shifts the reading frame from serine 2186.
Molecular consequence: frameshift variant.
Genome position (GRCh38, 1-based): chr17:31,337,495, G duplicated; the last of 2 consecutive G bases (chr17:31,337,494-31,337,495); duplicating either gives the same sequence. VCF-style (leftmost placement, unchanged base first): chr17-31337493-A-AG. GRCh37 (hg19) VCF-style: chr17-29664511-A-AG.
Other names: c.6492dupG (NM_000267.3); c.6492dup, p.Ser2165Valfs (NM_000267.4); short protein forms S2186fs, S2165fs.
Identifiers: ClinVar variation 3879060 (VCV003879060.2).

ClinVar aggregate classification (germline): Pathogenic. Review status: criteria provided, multiple submitters, no conflicts (2 of 4 stars). 2 submissions from 2 submitters: Pathogenic (2). Last evaluated 2025-08-03.

Conditions:
Neurofibromatosis, type 1 (NF1). Also called: VON RECKLINGHAUSEN DISEASE; Peripheral type neurofibromatosis; Neurofibromatosis, type I; NEUROFIBROMATOSIS, TYPE I, SOMATIC. Identifiers: Orphanet 636, MedGen C0027831, MONDO:0018975, OMIM 162200. Disease mechanism: loss of function.
Cardiovascular phenotype. Identifiers: MedGen CN230736.
Hereditary cancer-predisposing syndrome. Also called: Neoplastic Syndromes, Hereditary; Tumor predisposition; Hereditary neoplastic syndrome; Hereditary Cancer Syndrome. Identifiers: Orphanet 140162, MedGen C0027672, MeSH D009386, MONDO:0015356.

Submissions (2):

Labcorp Genetics (formerly Invitae), Labcorp
Classification: Pathogenic for Neurofibromatosis, type 1. Last evaluated: 2025-08-03. Review status: criteria provided, single submitter. Criteria: Invitae Variant Classification Sherloc (09022015). Collection method: clinical testing. Allele origin: germline.
Comment: This sequence change creates a premature translational stop signal (p.Ser2165Valfs*8) in the NF1 gene. It is expected to result in an absent or disrupted protein product. Loss-of-function variants in NF1 are known to be pathogenic (PMID: 10712197, 23913538). This variant is not present in population databases (gnomAD no frequency). This variant has not been reported in the literature in individuals affected with NF1-related conditions. ClinVar contains an entry for this variant (Variation ID: 3879060). For these reasons, this variant has been classified as Pathogenic.

Ambry Genetics
Classification: Pathogenic for Cardiovascular phenotype; Hereditary cancer-predisposing syndrome. Last evaluated: 2025-01-31. Review status: criteria provided, single submitter. Criteria: Ambry Variant Classification Scheme 2023. Collection method: clinical testing. Allele origin: germline.
Comment: The c.6492dupG variant, located in coding exon 42 of the NF1 gene, results from a duplication of G at nucleotide position 6492, causing a translational frameshift with a predicted alternate stop codon (p.S2165Vfs*8). This variant is considered to be rare based on population cohorts in the Genome Aggregation Database (gnomAD). This alteration is expected to result in loss of function by premature protein truncation or nonsense-mediated mRNA decay. As such, this alteration is interpreted as a disease-causing mutation.

Literature cited by the submitters: PubMed 10712197 (cited by Labcorp Genetics (formerly Invitae), Labcorp); PubMed 23913538 (cited by Labcorp Genetics (formerly Invitae), Labcorp).